The following is an entry in ClinVar:

ClinVar aggregate classification (germline): Uncertain significance (1 of 4 stars; one submission).

Allele frequency attached by ClinVar (database versions not stated): gnomAD 0.00001; gnomAD exomes 0.00002; ExAC 0.00004.
gnomAD v4.1: 29 of 1,609,882 alleles (0.0018%); highest among the groups gnomAD compares: Middle Eastern, 0.017%; no homozygotes.

Submission:

Labcorp Genetics (formerly Invitae), Labcorp
Classification: Uncertain significance. Last evaluated: 2021-10-21. Review status: criteria provided, single submitter. Criteria: Invitae Variant Classification Sherloc (09022015). Collection method: clinical testing. Allele origin: germline.
Comment: This variant is present in population databases (rs779395034, ExAC 0.02%). This sequence change replaces glutamic acid with lysine at codon 189 of the MCM5 protein (p.Glu189Lys). The glutamic acid residue is highly conserved and there is a small physicochemical difference between glutamic acid and lysine. This variant has not been reported in the literature in individuals affected with MCM5-related conditions. In summary, the available evidence is currently insufficient to determine the role of this variant in disease. Therefore, it has been classified as a Variant of Uncertain Significance. Algorithms developed to predict the effect of missense changes on protein structure and function are either unavailable or do not agree on the potential impact of this missense change (SIFT: "Tolerated"; PolyPhen-2: "Possibly Damaging"; Align-GVGD: "Class C0").

NM_006739.4(MCM5):c.565G>A (p.Glu189Lys)

Gene: MCM5 (minichromosome maintenance complex component 5; plus strand). Cytogenetic location: 22q12.3.
Variant type: single nucleotide variant.
Coding change: c.565G>A on transcript NM_006739.4 (MANE Select); coding-DNA position 565, G replaced by A.
Protein change: p.Glu189Lys; replaces glutamic acid 189 with lysine.
Molecular consequence: missense variant.
Genome position (GRCh38, 1-based): chr22:35,406,694, G>A. VCF-style: chr22-35406694-G-A. GRCh37 (hg19) VCF-style: chr22-35802687-G-A.
Other names: short protein forms E189K.
Identifiers: ClinVar variation 1470246 (VCV001470246.6), dbSNP rs779395034, ClinGen allele CA10205073.